The following is an entry in ClinVar:

NM_172364.5(CACNA2D4):c.1413C>A (p.His471Gln)

Gene: CACNA2D4 (calcium voltage-gated channel auxiliary subunit alpha2delta 4; minus strand). Cytogenetic location: 12p13.33.
Variant type: single nucleotide variant.
Coding change: c.1413C>A on transcript NM_172364.5 (MANE Select); coding-DNA position 1413, C replaced by A.
Protein change: p.His471Gln; replaces histidine 471 with glutamine.
Molecular consequence: missense variant.
Genome position (GRCh38, 1-based): chr12:1,882,939, G>T on the plus strand (C>A on the coding strand, the complement: CACNA2D4 is on the minus strand). VCF-style: chr12-1882939-G-T. GRCh37 (hg19) VCF-style: chr12-1992105-G-T.
Other names: short protein forms H471Q.
Identifiers: ClinVar variation 1014157 (VCV001014157.9), dbSNP rs78872077, ClinGen allele CA231555093.

ClinVar aggregate classification (germline): Uncertain significance (1 of 4 stars; one submission).

Allele frequency attached by ClinVar (database versions not stated): 1000 Genomes Project 30x 0.00016; 1000 Genomes Project 0.00020.
gnomAD v4.1: 3 of 1,613,550 alleles (0.00019%); highest among the groups gnomAD compares: African/African-American, 0.004%; no homozygotes.

Submission:

Labcorp Genetics (formerly Invitae), Labcorp
Classification: Uncertain significance. Last evaluated: 2022-07-05. Review status: criteria provided, single submitter. Criteria: Invitae Variant Classification Sherloc (09022015). Collection method: clinical testing. Allele origin: germline.
Comment: ClinVar contains an entry for this variant (Variation ID: 1014157). In summary, the available evidence is currently insufficient to determine the role of this variant in disease. Therefore, it has been classified as a Variant of Uncertain Significance. Algorithms developed to predict the effect of missense changes on protein structure and function are either unavailable or do not agree on the potential impact of this missense change (SIFT: "Deleterious"; PolyPhen-2: "Possibly Damaging"; Align-GVGD: "Class C15"). This variant has not been reported in the literature in individuals affected with CACNA2D4-related conditions. This variant is not present in population databases (gnomAD no frequency). This sequence change replaces histidine, which is basic and polar, with glutamine, which is neutral and polar, at codon 471 of the CACNA2D4 protein (p.His471Gln).